The following is an entry in ClinVar:

NM_000038.6(APC):c.7046C>T (p.Ser2349Leu)

Gene: APC (APC regulator of Wnt signaling pathway; plus strand). Cytogenetic location: 5q22.2.
Variant type: single nucleotide variant.
Coding change: c.7046C>T on transcript NM_000038.6 (MANE Select); coding-DNA position 7046, C replaced by T.
Protein change: p.Ser2349Leu; replaces serine 2349 with leucine.
Molecular consequence: missense variant. On other transcripts: non-coding transcript variant (2).
Genome position (GRCh38, 1-based): chr5:112,842,640, C>T. VCF-style: chr5-112842640-C-T. GRCh37 (hg19) VCF-style: chr5-112178337-C-T.
Other names: c.7046C>T (NM_000038.5); c.6743C>T, p.Ser2248Leu (NM_001407460.1, NM_001354903.2, NM_001407458.1 and 1 more transcripts); c.6659C>T, p.Ser2220Leu (NM_001407467.1, NM_001407469.1); c.6197C>T, p.Ser2066Leu (NM_001407470.1, NM_001354906.2); c.5894C>T, p.Ser1965Leu (NM_001407471.1, NM_001407472.1); c.7046C>T, p.Ser2349Leu (NM_001127510.3, NM_001354895.2, NM_001407450.1); c.6992C>T, p.Ser2331Leu (NM_001127511.3); c.7100C>T, p.Ser2367Leu (NM_001354896.2, NM_001407447.1, NM_001407448.1 and 1 more transcripts); and 12 more; short protein forms S2220L, S2321L, S2377L, S2066L, S2258L, S2290L, S2308L, S2331L.
Identifiers: ClinVar variation 4755121 (VCV004755121.2).

ClinVar aggregate classification (germline): Uncertain significance. Review status: criteria provided, multiple submitters, no conflicts (2 of 4 stars). 2 submissions from 2 submitters: Uncertain significance (2). Last evaluated 2026-04-23.

Conditions:
Familial adenomatous polyposis 1 (FAP1). Also called: FAMILIAL ADENOMATOUS POLYPOSIS 1, ATTENUATED; POLYPOSIS, ADENOMATOUS INTESTINAL. Identifiers: MedGen C2713442, MONDO:0021056, OMIM 175100. Disease mechanism: loss of function.
Hereditary cancer-predisposing syndrome. Also called: Neoplastic Syndromes, Hereditary; Tumor predisposition; Hereditary Cancer Syndrome; Hereditary neoplastic syndrome. Identifiers: Orphanet 140162, MedGen C0027672, MeSH D009386, MONDO:0015356.

Submissions (2):

Ambry Genetics
Classification: Uncertain significance for Hereditary cancer-predisposing syndrome. Last evaluated: 2026-04-23. Review status: criteria provided, single submitter. Criteria: Ambry Variant Classification Scheme 2023. Collection method: clinical testing. Allele origin: germline.
Comment: The p.S2349L variant (also known as c.7046C>T), located in coding exon 15 of the APC gene, results from a C to T substitution at nucleotide position 7046. The serine at codon 2349 is replaced by leucine, an amino acid with dissimilar properties. This amino acid position is well conserved in available vertebrate species. In addition, in silico predictors for this gene do not accurately predict pathogenicity. Missense variants in APC are not a common cause of disease (Spier I et al. Genet Med. 2024 Feb;26(2):100992). Based on the available evidence, the clinical significance of this variant remains unclear.

Labcorp Genetics (formerly Invitae), Labcorp
Classification: Uncertain significance for Familial adenomatous polyposis 1. Last evaluated: 2025-03-12. Review status: criteria provided, single submitter. Criteria: Invitae Variant Classification Sherloc (09022015). Collection method: clinical testing. Allele origin: germline.
Comment: This sequence change replaces serine, which is neutral and polar, with leucine, which is neutral and non-polar, at codon 2349 of the APC protein (p.Ser2349Leu). This variant is not present in population databases (gnomAD no frequency). This variant has not been reported in the literature in individuals affected with APC-related conditions. Invitae Evidence Modeling of protein sequence and biophysical properties (such as structural, functional, and spatial information, amino acid conservation, physicochemical variation, residue mobility, and thermodynamic stability) indicates that this missense variant is not expected to disrupt APC protein function with a negative predictive value of 95%. In summary, the available evidence is currently insufficient to determine the role of this variant in disease. Therefore, it has been classified as a Variant of Uncertain Significance.